The following is an entry in ClinVar:

NM_000441.2(SLC26A4):c.1054G>A (p.Ala352Thr)

Gene: SLC26A4 (solute carrier family 26 member 4; plus strand). Cytogenetic location: 7q22.3.
Variant type: single nucleotide variant.
Coding change: c.1054G>A on transcript NM_000441.2 (MANE Select); coding-DNA position 1054, G replaced by A.
Protein change: p.Ala352Thr; replaces alanine 352 with threonine.
Molecular consequence: missense variant.
Genome position (GRCh38, 1-based): chr7:107,689,105, G>A. VCF-style: chr7-107689105-G-A. GRCh37 (hg19) VCF-style: chr7-107329550-G-A.
Other names: short protein forms A352T.
Identifiers: ClinVar variation 43490 (VCV000043490.6), dbSNP rs397516412, ClinGen allele CA132652.
Genomic context (GRCh38, chr7:107,689,105, plus strand): 5'-CTCACTAGGTTTTTGCCTCCTGAACTTCCACCTGTGAGCTTGTTCTCGGAGATGCTGGCT[G>A]CATCATTTTCCATCGCTGTGGTGGCTTATGCTATTGCAGTGTCAGTAGGAAAAGTATATG-3'
Protein context (NP_000432.1, residues 342-362): PVSLFSEMLA[Ala352Thr]SFSIAVVAYA

ClinVar aggregate classification (germline): Uncertain significance. Review status: criteria provided, single submitter (1 of 4 stars). 2 submissions from 2 submitters: Uncertain significance (1). 1 of the submissions does not count toward it. Last evaluated 2012-03-06.

Conditions:
Pendred syndrome (PDS). Also called: Pendred's syndrome; DEAFNESS WITH GOITER; GOITER-DEAFNESS SYNDROME; HYPOTHYROIDISM, CONGENITAL, DUE TO DYSHORMONOGENESIS, 2B; Pendred Syndrome (PDS); THYROID DYSHORMONOGENESIS 2B. Identifiers: Orphanet 705, MedGen C0271829, MONDO:0010134, OMIM 274600.

Allele frequency attached by ClinVar (database versions not stated): gnomAD 0.00001; gnomAD exomes 0.00001; TOPMed 0.00002.
gnomAD v4.1: 5 of 1,613,832 alleles (0.00031%); highest among the groups gnomAD compares: African/African-American, 0.004%; no homozygotes.

Submissions (2):

Laboratory for Molecular Medicine, Mass General Brigham Personalized Medicine
Classification: Uncertain significance. Last evaluated: 2012-03-06. Review status: criteria provided, single submitter. Criteria: LMM Criteria. Collection method: clinical testing. Allele origin: germline. Observed: 1 variant allele.
Comment: Variant classified as Uncertain Significance - Favor Benign. The Ala352Thr varia nt in SLC26A4 has not been reported in the literature nor previously identified by our laboratory. Computational analyses (biochemical amino acid properties, co nservation, PolyPhen2, SIFT, AlignGVGD) do not suggest a high likelihood of impa ct to the protein. However, this information is not predictive enough to rule ou t pathogenicity. In summary, the clinical significance of this variant cannot be determined with certainty at this time; however, based upon the computational d ata, we would lean towards a more likely benign role.

Natera, Inc.
Classification: Uncertain significance for Pendred syndrome. Last evaluated: 2021-04-01. Review status: no assertion criteria provided. Collection method: clinical testing. Allele origin: germline. Not counted in ClinVar's aggregate classification.